The following is an entry in ClinVar:

NM_133433.4(NIPBL):c.1202C>T (p.Ser401Leu)

Gene: NIPBL (NIPBL cohesin loading factor; plus strand). Cytogenetic location: 5p13.2.
Variant type: single nucleotide variant.
Coding change: c.1202C>T on transcript NM_133433.4 (MANE Select); coding-DNA position 1202, C replaced by T.
Protein change: p.Ser401Leu; replaces serine 401 with leucine.
Molecular consequence: missense variant.
Genome position (GRCh38, 1-based): chr5:36,976,109, C>T. VCF-style: chr5-36976109-C-T. GRCh37 (hg19) VCF-style: chr5-36976211-C-T.
Other names: c.1202C>T, p.Ser401Leu (NM_015384.5); short protein forms S401L.
Identifiers: ClinVar variation 1983541 (VCV001983541.4), dbSNP rs531372615, ClinGen allele CA117031790.

ClinVar aggregate classification (germline): Uncertain significance (1 of 4 stars; one submission).

Conditions:
Cornelia de Lange syndrome 1 (CDLS1). Also called: TYPUS DEGENERATIVUS AMSTELODAMENSIS; NIPBL-Related Cornelia de Lange Syndrome; Brachmann de Lange syndrome. Identifiers: Orphanet 199, MedGen C4551851, MONDO:0007387, OMIM 122470.

Allele frequency attached by ClinVar (database versions not stated): gnomAD exomes below 0.00001.
gnomAD v4.1: 2 of 1,613,924 alleles (0.00012%); highest among the groups gnomAD compares: African/African-American, 0.0013%; no homozygotes.

Submission:

Labcorp Genetics (formerly Invitae), Labcorp
Classification: Uncertain significance for Cornelia de Lange syndrome 1. Last evaluated: 2022-02-11. Review status: criteria provided, single submitter. Criteria: Invitae Variant Classification Sherloc (09022015). Collection method: clinical testing. Allele origin: germline.
Comment: In summary, the available evidence is currently insufficient to determine the role of this variant in disease. Therefore, it has been classified as a Variant of Uncertain Significance. Algorithms developed to predict the effect of missense changes on protein structure and function are either unavailable or do not agree on the potential impact of this missense change (SIFT: "Deleterious"; PolyPhen-2: "Possibly Damaging"; Align-GVGD: "Class C0"). This variant has not been reported in the literature in individuals affected with NIPBL-related conditions. This variant is not present in population databases (gnomAD no frequency). This sequence change replaces serine, which is neutral and polar, with leucine, which is neutral and non-polar, at codon 401 of the NIPBL protein (p.Ser401Leu).